The following is an entry in ClinVar:

ClinVar aggregate classification (germline): Uncertain significance (1 of 4 stars; one submission).

Conditions:
IFT140-related disorder. Also called: IFT140-related condition.

gnomAD v4.1: 1 of 1,611,582 alleles (0.000062%); highest among the groups gnomAD compares: East Asian, 0.0022%; no homozygotes.

Submission:

PreventionGenetics, part of Exact Sciences
Classification: Uncertain significance for IFT140-related condition. Last evaluated: 2025-05-23. Review status: criteria provided, single submitter. Criteria: ACMG Guidelines, 2015. Collection method: clinical testing. Allele origin: germline.
Comment: The IFT140 c.2778G>C variant is predicted to result in the amino acid substitution p.Lys926Asn. To our knowledge, this variant has not been reported in the literature or in a large population database (gnomAD), indicating this variant is rare. At this time, the clinical significance of this variant is uncertain due to the absence of conclusive functional and genetic evidence.

NM_014714.4(IFT140):c.2778G>C (p.Lys926Asn)

Genes: IFT140 (intraflagellar transport 140; minus strand), LOC126862260 (CDK7 strongly-dependent group 2 enhancer GRCh37_chr16:1574508-1575707; plus strand). Cytogenetic location: 16p13.3.
Variant type: single nucleotide variant.
Coding change: c.2778G>C on transcript NM_014714.4 (MANE Select); coding-DNA position 2778, G replaced by C.
Protein change: p.Lys926Asn; replaces lysine 926 with asparagine.
Molecular consequence: missense variant.
Genome position (GRCh38, 1-based): chr16:1,525,317, C>G on the plus strand (G>C on the coding strand, the complement: IFT140 is on the minus strand). VCF-style: chr16-1525317-C-G. GRCh37 (hg19) VCF-style: chr16-1575318-C-G.
Other names: short protein forms K926N.
Identifiers: ClinVar variation 5000840 (VCV005000840.1).
Genomic context (GRCh38, chr16:1,525,317, plus strand): 5'-CTCCAGGGACGGCAGGTCCTCCGACAGCATCCTGGGCACCTCGAAGCGGTGCGTGTCCGA[C>G]TTCTCGTAGCTGTGAGAGAAGGAGACAGAGGTCCTCGTTCCCTCCCATCCCAGCCCCACG-3'
Protein context (NP_055529.2, residues 916-936): DCSRALSYYE[Lys926Asn]SDTHRFEVPR